The following is an entry in ClinVar:

ClinVar aggregate classification (germline): Uncertain significance (1 of 4 stars; one submission).

Submission:

Women's Health and Genetics/Laboratory Corporation of America, LabCorp
Classification: Uncertain significance. Last evaluated: 2018-10-04. Review status: criteria provided, single submitter. Criteria: LabCorp Variant Classification Summary - May 2015. Collection method: clinical testing. Allele origin: germline.
Comment: Variant summary: HGSNAT c.-42_-38dupGGGCG is located in the untranslated mRNA region upstream of the initiation codon. The variant was absent in 27614 control chromosomes. The available data on variant occurrences in the general population are insufficient to allow any conclusion about variant significance. To our knowledge, no occurrence of c.-42_-38dupGGGCG in individuals affected with Mucopolysaccharidosis Type IIIC (Sanfilippo Syndrome C) and no experimental evidence demonstrating its impact on protein function have been reported. No clinical diagnostic laboratories have submitted clinical-significance assessments for this variant to ClinVar after 2014. Based on the evidence outlined above, the variant was classified as uncertain significance.

NC_000008.11:g.43140450GGGCG[3]

Genes: HGSNAT (heparan-alpha-glucosaminide N-acetyltransferase; plus strand), LOC130000316 (ATAC-STARR-seq lymphoblastoid silent region 19164; plus strand). Cytogenetic location: 8p11.21.
Variant type: Microsatellite.
Genome position: GRCh38 VCF-style: chr8-43140449-A-AGGGCG. GRCh37 (hg19) VCF-style: chr8-42995592-A-AGGGCG.
Identifiers: ClinVar variation 633267 (VCV000633267.1), dbSNP rs1466847827, ClinGen allele CA851967239.